The following is an entry in ClinVar:

ClinVar aggregate classification (germline): Uncertain significance. Review status: criteria provided, multiple submitters, no conflicts (2 of 4 stars). 2 submissions from 2 submitters: Uncertain significance (2). Last evaluated 2023-06-13.

Conditions:
Saldino-Mainzer syndrome (SRTD9). Also called: Renal dysplasia, retinal pigmentary dystrophy, cerebellar ataxia and skeletal dysplasia; SHORT-RIB THORACIC DYSPLASIA 9 WITHOUT POLYDACTYLY; CONORENAL SYNDROME; short-rib thoracic dysplasia 9 with or without polydactyly. Identifiers: Orphanet 140969, MedGen C1849437, MONDO:0009964, OMIM 266920.

Allele frequency attached by ClinVar (database versions not stated): gnomAD exomes below 0.00001.
gnomAD v4.1: 2 of 1,611,176 alleles (0.00012%); highest among the groups gnomAD compares: Non-Finnish European, 0.00017%; no homozygotes.

Submissions (2):

Labcorp Genetics (formerly Invitae), Labcorp
Classification: Uncertain significance for Saldino-Mainzer syndrome. Last evaluated: 2023-06-13. Review status: criteria provided, single submitter. Criteria: Invitae Variant Classification Sherloc (09022015). Collection method: clinical testing. Allele origin: germline.
Comment: In summary, the available evidence is currently insufficient to determine the role of this variant in disease. Therefore, it has been classified as a Variant of Uncertain Significance. Advanced modeling of protein sequence and biophysical properties (such as structural, functional, and spatial information, amino acid conservation, physicochemical variation, residue mobility, and thermodynamic stability) performed at Invitae indicates that this missense variant is not expected to disrupt IFT140 protein function. ClinVar contains an entry for this variant (Variation ID: 318218). This variant has not been reported in the literature in individuals affected with IFT140-related conditions. This variant is not present in population databases (gnomAD no frequency). This sequence change replaces cysteine, which is neutral and slightly polar, with arginine, which is basic and polar, at codon 52 of the IFT140 protein (p.Cys52Arg).

Illumina Laboratory Services, Illumina
Classification: Uncertain significance for Saldino-Mainzer syndrome. Last evaluated: 2018-01-13. Review status: criteria provided, single submitter. Criteria: ICSL Variant Classification Criteria 13 December 2019. Collection method: clinical testing. Allele origin: germline.

NM_014714.4(IFT140):c.154T>C (p.Cys52Arg)

Genes: IFT140 (intraflagellar transport 140; minus strand), LOC105371046 (uncharacterized LOC105371046; plus strand). Cytogenetic location: 16p13.3.
Variant type: single nucleotide variant.
Coding change: c.154T>C on transcript NM_014714.4 (MANE Select); coding-DNA position 154, T replaced by C.
Protein change: p.Cys52Arg; replaces cysteine 52 with arginine.
Molecular consequence: missense variant.
Genome position (GRCh38, 1-based): chr16:1,602,585, A>G on the plus strand (T>C on the coding strand, the complement: IFT140 is on the minus strand). VCF-style: chr16-1602585-A-G. GRCh37 (hg19) VCF-style: chr16-1652586-A-G.
Other names: short protein forms C52R.
Identifiers: ClinVar variation 318218 (VCV000318218.12), dbSNP rs886051770, ClinGen allele CA10643111.